The following is an entry in ClinVar:

NM_002292.4(LAMB2):c.4201del (p.Ser1401fs)

Gene: LAMB2 (laminin subunit beta 2; minus strand). Cytogenetic location: 3p21.31.
Variant type: Deletion.
Coding change: c.4201del on transcript NM_002292.4 (MANE Select); coding-DNA position 4201, one base deleted (A; older notation c.4201delA).
Protein change: p.Ser1401fs; shifts the reading frame from serine 1401.
Molecular consequence: frameshift variant.
Genome position (GRCh38, 1-based): chr3:49,123,155, T deleted on the plus strand (A on the coding strand, the reverse complement: LAMB2 is on the minus strand). VCF-style (leftmost placement, unchanged base first): chr3-49123154-CT-C. GRCh37 (hg19) VCF-style: chr3-49160587-CT-C.
Other names: short protein forms S1401fs.
Identifiers: ClinVar variation 1366297 (VCV001366297.6), dbSNP rs754137583, ClinGen allele CA2393851.
Genomic context (GRCh38, chr3:49,123,154, plus strand): 5'-TCTACACCCACCTGCCCCACCCAACACTTCAACCTCACCAGCTCATTTATGTCTGTCAGG[CT>C]CAGGGTGTGGGTATGGGCAGAGAGCTTGCCAAGTGCCCGCTGGTTGGCCATGTGTTTGCT-3'

ClinVar aggregate classification (germline): Pathogenic (1 of 4 stars; one submission).

Conditions:
Pierson syndrome. Also called: MICROCORIA-CONGENITAL NEPHROTIC SYNDROME. Identifiers: Orphanet 2670, MedGen C1836876, MONDO:0012184, OMIM 609049.
LAMB2-related infantile-onset nephrotic syndrome. Also called: Nephrotic Syndrome, type 5; NEPHROTIC SYNDROME, TYPE 5, WITHOUT OCULAR ABNORMALITIES; NEPHROTIC SYNDROME, TYPE 5, WITH OCULAR ABNORMALITIES. Identifiers: Orphanet 306507, MedGen C3280113, MONDO:0013621, OMIM 614199.

Allele frequency attached by ClinVar (database versions not stated): TOPMed below 0.00001; ExAC 0.00001; gnomAD exomes 0.00001.

Submission:

Labcorp Genetics (formerly Invitae), Labcorp
Classification: Pathogenic for LAMB2-related infantile-onset nephrotic syndrome; Pierson syndrome. Last evaluated: 2023-02-18. Review status: criteria provided, single submitter. Criteria: Invitae Variant Classification Sherloc (09022015). Collection method: clinical testing. Allele origin: germline.
Comment: This sequence change creates a premature translational stop signal (p.Ser1401Alafs*2) in the LAMB2 gene. It is expected to result in an absent or disrupted protein product. Loss-of-function variants in LAMB2 are known to be pathogenic (PMID: 15367484). This variant is present in population databases (rs754137583, gnomAD 0.009%). For these reasons, this variant has been classified as Pathogenic. ClinVar contains an entry for this variant (Variation ID: 1366297). This premature translational stop signal has been observed in individual(s) with clinical features of LAMB2-related conditions (Invitae).

Literature cited by the submitters: PubMed 15367484.